The following is an entry in ClinVar:

ClinVar aggregate classification (germline): Conflicting classifications of pathogenicity. Review status: criteria provided, conflicting classifications (1 of 4 stars). 8 submissions from 8 submitters: Uncertain significance (2); Benign (1); Likely benign (5). Last evaluated 2025-11-10.

Conditions:
Multiple endocrine neoplasia, type 2 (MEN2). Identifiers: Orphanet 653, MedGen C4048306, MONDO:0019003. Disease mechanism: gain of function.
Multiple endocrine neoplasia type 2B. Also called: Multiple endocrine neoplasia, type 3; MEN 2B; MULTIPLE ENDOCRINE NEOPLASIA, TYPE IIB; MUCOSAL NEUROMA SYNDROME; Multiple Endocrine Neoplasia Type 2B (MEN2B); MEN IIB. Identifiers: Orphanet 247709, Orphanet 653, MedGen C0025269, MeSH D018814, MONDO:0008082, OMIM 162300.
Hirschsprung disease, susceptibility to, 1 (HSCR1). Also called: RET-Related Hirschsprung Disease. Identifiers: Orphanet 388, MedGen C3888239, MONDO:0007723, OMIM 142623.
Pheochromocytoma. Also called: MAX-Related Hereditary Paraganglioma-Pheochromocytoma Syndrome. Identifiers: Orphanet 29072, MedGen C0031511, MONDO:0008233, OMIM 171300, HP:0002666.
Multiple endocrine neoplasia type 2A. Also called: MULTIPLE ENDOCRINE NEOPLASIA, TYPE IIA; PTC SYNDROME; SIPPLE SYNDROME; MEN 2A; MEN-2A syndrome; Pheochromocytoma and amyloid producing medullary thyroid carcinoma. Identifiers: Orphanet 247698, Orphanet 653, MedGen C0025268, MeSH D018813, MONDO:0008234, OMIM 171400.
Familial medullary thyroid carcinoma (MTC). Also called: Thyroid cancer, familial medullary; MTC, familial; Familial Medullary Thyroid Carcinoma (FMTC). Identifiers: Orphanet 653, Orphanet 99361, MedGen C1833921, MONDO:0007958, OMIM 155240.
Hereditary cancer-predisposing syndrome. Also called: Hereditary Cancer Syndrome; Hereditary neoplastic syndrome; Tumor predisposition; Neoplastic Syndromes, Hereditary. Identifiers: Orphanet 140162, MedGen C0027672, MeSH D009386, MONDO:0015356.

Allele frequency attached by ClinVar (database versions not stated): TOPMed 0.00003.
gnomAD v4.1: 9 of 1,613,300 alleles (0.00056%); highest among the groups gnomAD compares: Admixed American, 0.015%; no homozygotes.

Submissions (8):

Labcorp Genetics (formerly Invitae), Labcorp
Classification: Likely benign for Multiple endocrine neoplasia, type 2. Last evaluated: 2025-11-10. Review status: criteria provided, single submitter. Criteria: Invitae Variant Classification Sherloc (09022015). Collection method: clinical testing. Allele origin: germline.

CeGaT Center for Human Genetics Tuebingen
Classification: Likely benign. Last evaluated: 2025-11-01. Review status: criteria provided, single submitter. Criteria: CeGaT Center For Human Genetics Tuebingen Variant Classification Criteria Version 2. Collection method: clinical testing. Allele origin: germline. Affected: yes. Observed: 1 variant allele.
Comment: RET: BP4, BP7

Myriad Genetics, Inc.
Classification: Benign for Multiple endocrine neoplasia type 2A. Last evaluated: 2025-02-25. Review status: criteria provided, single submitter. Criteria: Myriad Autosomal Dominant, Autosomal Recessive and X-Linked Classification Criteria (2023). Collection method: clinical testing. Allele origin: unknown.
Comment: This variant is considered benign. This variant is a silent/synonymous amino acid change and it is not expected to impact splicing.

All of Us Research Program, National Institutes of Health
Classification: Likely benign for Multiple endocrine neoplasia, type 2. Last evaluated: 2024-08-13. Review status: criteria provided, single submitter. Criteria: ACMG Guidelines, 2015. Collection method: clinical testing. Allele origin: germline. Inheritance: Autosomal dominant inheritance. Observed: 5 variant alleles, 5 heterozygotes.
Comment: This study involves interpretation of variants in research participants for the purpose of population health screening. Participant phenotype was not available at the time of variant classification. Additional details can be found in publication PMID: 35346344, PMCID: PMC8962531

Color Diagnostics, LLC DBA Color Health
Classification: Likely benign for Multiple endocrine neoplasia, type 2. Last evaluated: 2024-07-23. Review status: criteria provided, single submitter. Criteria: ACMG Guidelines, 2015. Collection method: clinical testing. Allele origin: germline.

Sema4
Classification: Uncertain significance for Hereditary cancer-predisposing syndrome. Last evaluated: 2022-02-02. Review status: criteria provided, single submitter. Criteria: Sema4 Curation Guidelines. Collection method: curation. Allele origin: germline.
Comment: The RET c.960C>A (p.P320=) variant has not been reported in the literature to our knowledge. It was observed in 5/34420 chromosomes of the Latino (AMR) subpopulation in the large and broad cohorts of the Genome Aggregation Database (PMID: 32461654). This variant has been reported in ClinVar (Variation ID 937428). In silico tools that predict the effect of sequence changes on splicing suggest that this variant may impact splicing, though these predictions have not been confirmed by functional studies. The evidence is insufficient to meet ACMG/AMP criteria for classifying the variant as benign or pathogenic. Thus, the clinical significance of this variant is currently uncertain.

Fulgent Genetics
Classification: Uncertain significance for Hirschsprung disease, susceptibility to, 1; Familial medullary thyroid carcinoma; Multiple endocrine neoplasia type 2B; Pheochromocytoma; Multiple endocrine neoplasia type 2A. Last evaluated: 2021-12-02. Review status: criteria provided, single submitter. Criteria: ACMG Guidelines, 2015. Collection method: clinical testing. Allele origin: unknown.

Ambry Genetics
Classification: Likely benign for Hereditary cancer-predisposing syndrome. Last evaluated: 2020-03-31. Review status: criteria provided, single submitter. Criteria: Ambry Variant Classification Scheme 2023. Collection method: clinical testing. Allele origin: germline.

NM_020975.6(RET):c.960C>A (p.Pro320=)

Gene: RET (ret proto-oncogene; plus strand). Cytogenetic location: 10q11.21.
Variant type: single nucleotide variant.
Coding change: c.960C>A on transcript NM_020975.6 (MANE Select); coding-DNA position 960, C replaced by A.
Protein change: p.Pro320=; no amino-acid change (proline 320 retained).
Molecular consequence: synonymous variant. On other transcripts: intron variant (25).
Genome position (GRCh38, 1-based): chr10:43,106,468, C>A. VCF-style: chr10-43106468-C-A. GRCh37 (hg19) VCF-style: chr10-43601916-C-A.
Other names: c.960C>A, p.Pro320= (NM_000323.2, NM_001406743.1, NM_001406744.1 and 6 more transcripts); c.198C>A, p.Pro66= (NM_001355216.2); c.831C>A, p.Pro277= (NM_001406761.1, NM_001406762.1, NM_001406764.1 and 1 more transcripts); c.672C>A, p.Pro224= (NM_001406766.1, NM_001406767.1, NM_001406770.1); c.867+1275C>A (NM_001406772.1, NM_001406769.1); c.626-2563C>A (NM_001406773.1, NM_001406771.1); c.625+3839C>A (NM_001406782.1, NM_001406780.1, NM_001406779.1 and 3 more transcripts); c.738+1275C>A (NM_001406774.1); and 5 more.
Identifiers: ClinVar variation 937428 (VCV000937428.21), dbSNP rs756761746, ClinGen allele CA045620.
Genomic context (GRCh38, chr10:43,106,468, plus strand): 5'-TGCAGACGTGGTACCTGCATCAGGGGAGCTGGTGAGGCGGTACACAAGCACGCTGCTCCC[C>A]GGGGACACCTGGGCCCAGCAGACCTTCCGGGTGGAACACTGGCCCAACGAGACCTCGGTC-3'
Protein context (NP_066124.1, residues 310-330): LVRRYTSTLL[Pro320=]GDTWAQQTFR